The following is an entry in ClinVar:

ClinVar aggregate classification (germline): Uncertain significance (1 of 4 stars; one submission).

Conditions:
Noonan syndrome 9 (NS9). Identifiers: Orphanet 648, MedGen C4225282, MONDO:0014691, OMIM 616559.

Submission:

Labcorp Genetics (formerly Invitae), Labcorp
Classification: Uncertain significance for Noonan syndrome 9. Last evaluated: 2025-09-11. Review status: criteria provided, single submitter. Criteria: Invitae Variant Classification Sherloc (09022015). Collection method: clinical testing. Allele origin: germline.
Comment: This sequence change affects a donor splice site in intron 17 of the SOS2 gene. It is expected to disrupt RNA splicing. Variants that disrupt the donor or acceptor splice site typically lead to a loss of protein function (PMID: 16199547), however the current clinical and genetic evidence is not sufficient to establish whether loss-of-function variants in SOS2 cause disease. This variant is present in population databases (rs767898815, gnomAD 0.0009%). This variant has not been reported in the literature in individuals affected with SOS2-related conditions. Algorithms developed to predict the effect of sequence changes on RNA splicing suggest that this variant may disrupt the consensus splice site. In summary, the available evidence is currently insufficient to determine the role of this variant in disease. Therefore, it has been classified as a Variant of Uncertain Significance.

Literature cited by the submitters: PubMed 16199547.

NM_006939.4(SOS2):c.2785+1G>A

Gene: SOS2 (SOS Ras/Rho guanine nucleotide exchange factor 2; minus strand). Cytogenetic location: 14q21.3.
Variant type: single nucleotide variant.
Coding change: c.2785+1G>A on transcript NM_006939.4 (MANE Select); the canonical splice donor site of the intron after coding-DNA position 2785, G replaced by A.
Molecular consequence: splice donor variant.
Genome position (GRCh38, 1-based): chr14:50,139,941, C>T on the plus strand (G>A on the coding strand, the complement: SOS2 is on the minus strand). VCF-style: chr14-50139941-C-T. GRCh37 (hg19) VCF-style: chr14-50606659-C-T.
Other names: c.2686+1G>A (NM_001411020.1).
Identifiers: ClinVar variation 4772626 (VCV004772626.1).